The following is an entry in ClinVar:

ClinVar aggregate classification (germline): Uncertain significance. Review status: criteria provided, multiple submitters, no conflicts (2 of 4 stars). 3 submissions from 3 submitters: Uncertain significance (3). Last evaluated 2026-04-07.

Conditions:
BBS9-related disorder. Also called: BBS9-related condition.
Bardet-Biedl syndrome (BBS). Identifiers: Orphanet 110, MedGen C0752166, MONDO:0015229.
Bardet-Biedl syndrome 9 (BBS9). Identifiers: Orphanet 110, MedGen C1859567, MONDO:0014437, OMIM 615986.

Allele frequency attached by ClinVar (database versions not stated): ExAC 0.00002; gnomAD exomes 0.00002; gnomAD 0.00003; TOPMed 0.00003; ESP Exome Variant Server 0.00008.
gnomAD v4.1: 33 of 1,613,312 alleles (0.002%); highest among the groups gnomAD compares: Non-Finnish European, 0.0027%; no homozygotes.

Submissions (3):

PreventionGenetics, part of Exact Sciences
Classification: Uncertain significance for BBS9-related condition. Last evaluated: 2026-04-07. Review status: criteria provided, single submitter. Criteria: ACMG Guidelines, 2015. Collection method: clinical testing. Allele origin: germline.
Comment: The BBS9 c.1486A>G variant is predicted to result in the amino acid substitution p.Thr496Ala. To our knowledge, this variant has not been reported in the literature. This variant is reported in 0.0062% of alleles in individuals of African descent in gnomAD. At this time, the clinical significance of this variant is uncertain due to the absence of conclusive functional and genetic evidence.

Labcorp Genetics (formerly Invitae), Labcorp
Classification: Uncertain significance for Bardet-Biedl syndrome. Last evaluated: 2022-02-24. Review status: criteria provided, single submitter. Criteria: Invitae Variant Classification Sherloc (09022015). Collection method: clinical testing. Allele origin: germline.
Comment: This sequence change replaces threonine, which is neutral and polar, with alanine, which is neutral and non-polar, at codon 496 of the BBS9 protein (p.Thr496Ala). This variant is present in population databases (rs369146555, gnomAD 0.007%). This variant has not been reported in the literature in individuals affected with BBS9-related conditions. ClinVar contains an entry for this variant (Variation ID: 216843). Algorithms developed to predict the effect of missense changes on protein structure and function output the following: SIFT: "Deleterious"; PolyPhen-2: "Benign"; Align-GVGD: "Class C55". The alanine amino acid residue is found in multiple mammalian species, which suggests that this missense change does not adversely affect protein function. In summary, the available evidence is currently insufficient to determine the role of this variant in disease. Therefore, it has been classified as a Variant of Uncertain Significance.

Fulgent Genetics
Classification: Uncertain significance for Bardet-Biedl syndrome 9. Last evaluated: 2022-01-19. Review status: criteria provided, single submitter. Criteria: ACMG Guidelines, 2015. Collection method: clinical testing. Allele origin: unknown.

NM_198428.3(BBS9):c.1486A>G (p.Thr496Ala)

Gene: BBS9 (Bardet-Biedl syndrome 9; plus strand). Cytogenetic location: 7p14.3.
Variant type: single nucleotide variant.
Coding change: c.1486A>G on transcript NM_198428.3 (MANE Select); coding-DNA position 1486, A replaced by G.
Protein change: p.Thr496Ala; replaces threonine 496 with alanine.
Molecular consequence: missense variant. On other transcripts: non-coding transcript variant (3), intron variant (5).
Genome position (GRCh38, 1-based): chr7:33,351,272, A>G. VCF-style: chr7-33351272-A-G. GRCh37 (hg19) VCF-style: chr7-33390884-A-G.
Other names: c.1486A>G, p.Thr496Ala (NM_001033605.2, NM_001348036.1, NM_001348041.4 and 2 more transcripts); c.1120A>G, p.Thr374Ala (NM_001348037.3, NM_001348045.3, NM_001348046.3); c.1213A>G, p.Thr405Ala (NM_001348038.3); c.1351A>G, p.Thr451Ala (NM_001348042.3); c.1160-1587A>G (NM_001348039.3); c.1433-1587A>G (NM_001033604.2); c.1432+2102A>G (NM_014451.4, NM_001348040.3); c.1067-1587A>G (NM_001348044.3); short protein forms T496A, T451A, T374A, T405A.
Identifiers: ClinVar variation 216843 (VCV000216843.9), dbSNP rs369146555, ClinGen allele CA338815.